The following is an entry in ClinVar:

ClinVar aggregate classification (germline): Uncertain significance (1 of 4 stars; one submission).

Conditions:
Hereditary cancer-predisposing syndrome. Also called: Tumor predisposition; Hereditary neoplastic syndrome; Hereditary Cancer Syndrome; Neoplastic Syndromes, Hereditary. Identifiers: Orphanet 140162, MedGen C0027672, MeSH D009386, MONDO:0015356.

Submission:

Ambry Genetics
Classification: Uncertain significance for Hereditary cancer-predisposing syndrome. Last evaluated: 2025-06-14. Review status: criteria provided, single submitter. Criteria: Ambry Variant Classification Scheme 2023. Collection method: clinical testing. Allele origin: germline.
Comment: The p.R2525G variant (also known as c.7573C>G), located in coding exon 15 of the APC gene, results from a C to G substitution at nucleotide position 7573. The arginine at codon 2525 is replaced by glycine, an amino acid with dissimilar properties. This amino acid position is conserved. In addition, in silico predictors for this gene do not accurately predict pathogenicity. Based on the available evidence, the clinical significance of this variant remains unclear.

NM_000038.6(APC):c.7573C>G (p.Arg2525Gly)

Gene: APC (APC regulator of Wnt signaling pathway; plus strand). Cytogenetic location: 5q22.2.
Variant type: single nucleotide variant.
Coding change: c.7573C>G on transcript NM_000038.6 (MANE Select); coding-DNA position 7573, C replaced by G.
Protein change: p.Arg2525Gly; replaces arginine 2525 with glycine.
Molecular consequence: missense variant. On other transcripts: non-coding transcript variant (2).
Genome position (GRCh38, 1-based): chr5:112,843,167, C>G. VCF-style: chr5-112843167-C-G. GRCh37 (hg19) VCF-style: chr5-112178864-C-G.
Other names: c.7573C>G, p.Arg2525Gly (NM_001127510.3, NM_001354895.2, NM_001407450.1); c.7519C>G, p.Arg2507Gly (NM_001127511.3); c.7627C>G, p.Arg2543Gly (NM_001354896.2, NM_001407447.1, NM_001407448.1 and 1 more transcripts); c.7603C>G, p.Arg2535Gly (NM_001354897.2); c.7498C>G, p.Arg2500Gly (NM_001354898.2); c.7489C>G, p.Arg2497Gly (NM_001354899.2); c.7450C>G, p.Arg2484Gly (NM_001354900.2); c.7396C>G, p.Arg2466Gly (NM_001354901.2, NM_001407453.1); and 11 more; short protein forms R2141G, R2396G, R2399G, R2518G, R2543G, R2553G, R2434G, R2442G.
Identifiers: ClinVar variation 3930082 (VCV003930082.1).